The following is an entry in ClinVar:

ClinVar aggregate classification (germline): Uncertain significance. Review status: criteria provided, multiple submitters, no conflicts (2 of 4 stars). 2 submissions from 2 submitters: Uncertain significance (2). Last evaluated 2025-01-06.

Allele frequency attached by ClinVar (database versions not stated): gnomAD 0.00002; gnomAD exomes 0.00003 and 0.00007; TOPMed 0.00003; ExAC 0.00008.
gnomAD v4.1: 53 of 1,604,998 alleles (0.0033%); highest among the groups gnomAD compares: Non-Finnish European, 0.0041%; 1 homozygote.

Submissions (2):

Labcorp Genetics (formerly Invitae), Labcorp
Classification: Uncertain significance. Last evaluated: 2025-01-06. Review status: criteria provided, single submitter. Criteria: Invitae Variant Classification Sherloc (09022015). Collection method: clinical testing. Allele origin: germline.
Comment: This sequence change replaces serine, which is neutral and polar, with asparagine, which is neutral and polar, at codon 577 of the CCDC88A protein (p.Ser577Asn). This variant is present in population databases (rs75714516, gnomAD 0.01%). This variant has not been reported in the literature in individuals affected with CCDC88A-related conditions. ClinVar contains an entry for this variant (Variation ID: 1426038). An algorithm developed to predict the effect of missense changes on protein structure and function (PolyPhen-2) suggests that this variant¬†is likely to be tolerated. In summary, the available evidence is currently insufficient to determine the role of this variant in disease. Therefore, it has been classified as a Variant of Uncertain Significance.

Ambry Genetics
Classification: Uncertain significance. Last evaluated: 2023-03-13. Review status: criteria provided, single submitter. Criteria: Ambry Variant Classification Scheme 2023. Collection method: clinical testing. Allele origin: germline.

NM_001365480.1(CCDC88A):c.1730G>A (p.Ser577Asn)

Gene: CCDC88A (coiled-coil domain containing 88A; minus strand). Cytogenetic location: 2p16.1.
Variant type: single nucleotide variant.
Coding change: c.1730G>A on transcript NM_001365480.1 (MANE Select); coding-DNA position 1730, G replaced by A.
Protein change: p.Ser577Asn; replaces serine 577 with asparagine.
Molecular consequence: missense variant.
Genome position (GRCh38, 1-based): chr2:55,335,091, C>T on the plus strand (G>A on the coding strand, the complement: CCDC88A is on the minus strand). VCF-style: chr2-55335091-C-T. GRCh37 (hg19) VCF-style: chr2-55562227-C-T.
Other names: c.1730G>A, p.Ser577Asn (NM_001135597.2, NM_001254943.2, NM_018084.5); c.1730G>A (NM_001135597.1); short protein forms S577N.
Identifiers: ClinVar variation 1426038 (VCV001426038.5), dbSNP rs75714516, ClinGen allele CA1666078.